The following is an entry in ClinVar:

ClinVar aggregate classification (germline): Benign. Review status: criteria provided, multiple submitters, no conflicts (2 of 4 stars). 2 submissions from 2 submitters: Benign (2). Last evaluated 2018-01-12.

Conditions:
Griscelli syndrome type 2 (GS2). Also called: GRISCELLI SYNDROME WITH HEMOPHAGOCYTIC SYNDROME; PAID SYNDROME; PARTIAL ALBINISM AND IMMUNODEFICIENCY SYNDROME. Identifiers: Orphanet 381, Orphanet 79477, MedGen C1868679, MONDO:0011872, OMIM 607624.

Allele frequency attached by ClinVar (database versions not stated): 1000 Genomes Project 0.26538; gnomAD 0.26707 and 0.27450; 1000 Genomes Project 30x 0.27108; TOPMed 0.27681.
gnomAD v4.1: 40,629 of 151,740 alleles (27%); highest among the groups gnomAD compares: African/African-American, 50%; 7,064 homozygotes.

Submissions (2):

Illumina Laboratory Services, Illumina
Classification: Benign for Griscelli syndrome type 2. Last evaluated: 2018-01-12. Review status: criteria provided, single submitter. Criteria: ICSL Variant Classification Criteria 13 December 2019. Collection method: clinical testing. Allele origin: germline.
Comment: This variant was observed in the ICSL laboratory as part of a predisposition screen in an ostensibly healthy population. It had not been previously curated by ICSL or reported in the Human Gene Mutation Database (HGMD: prior to June 1st, 2018), and was therefore a candidate for classification through an automated scoring system. Utilizing variant allele frequency, disease prevalence and penetrance estimates, and inheritance mode, an automated score was calculated to assess if this variant is too frequent to cause the disease. Based on the score and internal cut-off values, a variant classified as benign is not then subjected to further curation. The score for this variant resulted in a classification of benign for this disease.

Breakthrough Genomics
Classification: Benign. Review status: criteria provided, single submitter. Criteria: ACMG Guidelines, 2015. Collection method: not provided. Allele origin: germline. Inheritance: Autosomal recessive inheritance. Affected: yes.

NM_183235.3(RAB27A):c.*1662A>T

Gene: RAB27A (RAB27A, member RAS oncogene family; minus strand). Cytogenetic location: 15q21.3.
Variant type: single nucleotide variant.
Coding change: c.*1662A>T on transcript NM_183235.3 (MANE Select); 1662 bases downstream of the stop codon, A replaced by T.
Molecular consequence: 3 prime UTR variant.
Genome position (GRCh38, 1-based): chr15:55,203,845, T>A on the plus strand (A>T on the coding strand, the complement: RAB27A is on the minus strand). VCF-style: chr15-55203845-T-A. GRCh37 (hg19) VCF-style: chr15-55496043-T-A.
Other names: c.*1662A>T (NM_004580.5, NM_183234.3, NM_183236.3).
Identifiers: ClinVar variation 316621 (VCV000316621.6), dbSNP rs1061823, ClinGen allele CA10642248.